The following is an entry in ClinVar:

ClinVar aggregate classification (germline): Uncertain significance (1 of 4 stars; one submission).

Conditions:
Familial cancer of breast. Also called: hereditary breast carcinoma; BREAST CANCER, FAMILIAL; Hereditary breast cancer. Identifiers: Orphanet 227535, MedGen C0346153, MONDO:0016419, OMIM 114480. Disease mechanism: loss of function.

Allele frequency attached by ClinVar (database versions not stated): gnomAD exomes below 0.00001.
gnomAD v4.1: 1 of 1,613,540 alleles (0.000062%); highest among the groups gnomAD compares: Non-Finnish European, 0.000085%; no homozygotes.

Submission:

Labcorp Genetics (formerly Invitae), Labcorp
Classification: Uncertain significance for Familial cancer of breast. Last evaluated: 2021-12-24. Review status: criteria provided, single submitter. Criteria: Invitae Variant Classification Sherloc (09022015). Collection method: clinical testing. Allele origin: germline.
Comment: This variant is not present in population databases (gnomAD no frequency). This sequence change replaces glycine, which is neutral and non-polar, with arginine, which is basic and polar, at codon 1178 of the PALB2 protein (p.Gly1178Arg). In summary, the available evidence is currently insufficient to determine the role of this variant in disease. Therefore, it has been classified as a Variant of Uncertain Significance. Algorithms developed to predict the effect of missense changes on protein structure and function (SIFT, PolyPhen-2, Align-GVGD) all suggest that this variant is likely to be disruptive. This variant has not been reported in the literature in individuals affected with PALB2-related conditions.

NM_024675.4(PALB2):c.3532G>A (p.Gly1178Arg)

Gene: PALB2 (partner and localizer of BRCA2; minus strand). Cytogenetic location: 16p12.2.
Variant type: single nucleotide variant.
Coding change: c.3532G>A on transcript NM_024675.4 (MANE Select); coding-DNA position 3532, G replaced by A.
Protein change: p.Gly1178Arg; replaces glycine 1178 with arginine.
Molecular consequence: missense variant.
Genome position (GRCh38, 1-based): chr16:23,603,488, C>T on the plus strand (G>A on the coding strand, the complement: PALB2 is on the minus strand). VCF-style: chr16-23603488-C-T. GRCh37 (hg19) VCF-style: chr16-23614809-C-T.
Other names: c.3472G>A, p.Gly1158Arg (NM_001407296.1); c.3460G>A, p.Gly1154Arg (NM_001407297.1); c.3370G>A, p.Gly1124Arg (NM_001407298.1); c.3295G>A, p.Gly1099Arg (NM_001407299.1); c.3253G>A, p.Gly1085Arg (NM_001407300.1); c.*167G>A (NM_001407301.1, NM_001407302.1, NM_001407310.1 and 2 more transcripts); c.2647G>A, p.Gly883Arg (NM_001407304.1, NM_001407305.1, NM_001407306.1); c.2485G>A, p.Gly829Arg (NM_001407307.1); and 3 more; short protein forms G1154R, G1158R, G1178R, G582R, G829R, G883R, G1099R, G1085R.
Identifiers: ClinVar variation 2055034 (VCV002055034.4), dbSNP rs2142251301, ClinGen allele CA395137772.
Genomic context (GRCh38, chr16:23,603,488, plus strand): 5'-CCAGAAAATTGTGTTTTCACTTTACCCTAACTTATGAATAGTGGTATACAAATATATTTC[C>T]ATCTTTTTGTCCAGCCAGCAAATGAGAGTCTGTACCCGACCATTTCACAAAAGACCAATG-3'
Protein context (NP_078951.2, residues 1168-1186): DSHLLAGQKD[Gly1178Arg]NIFVYHYS